The following is an entry in ClinVar:

ClinVar aggregate classification (germline): Uncertain significance. Review status: criteria provided, multiple submitters, no conflicts (2 of 4 stars). 2 submissions from 2 submitters: Uncertain significance (2). Last evaluated 2025-02-11.

Conditions:
Hereditary cancer-predisposing syndrome. Also called: Hereditary Cancer Syndrome; Neoplastic Syndromes, Hereditary; Tumor predisposition; Hereditary neoplastic syndrome. Identifiers: Orphanet 140162, MedGen C0027672, MeSH D009386, MONDO:0015356.
Ataxia-telangiectasia syndrome (AT). Also called: Cerebello-oculocutaneous telangiectasia; Immunodeficiency with ataxia telangiectasia; Ataxia-telangiectasia, complementation group E; Ataxia-telangiectasia, complementation group D; AT, COMPLEMENTATION GROUP C; ATAXIA-TELANGIECTASIA, COMPLEMENTATION GROUP A. Identifiers: Orphanet 100, MedGen C0004135, MONDO:0008840, OMIM 208900.

Submissions (2):

Ambry Genetics
Classification: Uncertain significance for Hereditary cancer-predisposing syndrome. Last evaluated: 2025-02-11. Review status: criteria provided, single submitter. Criteria: Ambry Variant Classification Scheme 2023. Collection method: clinical testing. Allele origin: germline.
Comment: The p.M2224L variant (also known as c.6670A>C), located in coding exon 45 of the ATM gene, results from an A to C substitution at nucleotide position 6670. The methionine at codon 2224 is replaced by leucine, an amino acid with highly similar properties. This amino acid position is well conserved in available vertebrate species. In addition, this alteration is predicted to be tolerated by in silico analysis. Based on the available evidence, the clinical significance of this variant remains unclear.

Labcorp Genetics (formerly Invitae), Labcorp
Classification: Uncertain significance for Ataxia-telangiectasia syndrome. Last evaluated: 2020-07-20. Review status: criteria provided, single submitter. Criteria: Invitae Variant Classification Sherloc (09022015). Collection method: clinical testing. Allele origin: germline.
Comment: This sequence change replaces methionine with leucine at codon 2224 of the ATM protein (p.Met2224Leu). The methionine residue is moderately conserved and there is a small physicochemical difference between methionine and leucine. This variant is not present in population databases (ExAC no frequency). This variant has not been reported in the literature in individuals with ATM-related disease. Algorithms developed to predict the effect of missense changes on protein structure and function (SIFT, PolyPhen-2, Align-GVGD) all suggest that this variant is likely to be tolerated, but these predictions have not been confirmed by published functional studies and their clinical significance is uncertain. In summary, the available evidence is currently insufficient to determine the role of this variant in disease. Therefore, it has been classified as a Variant of Uncertain Significance.

NM_000051.4(ATM):c.6670A>C (p.Met2224Leu)

Genes: ATM (ATM serine/threonine kinase; plus strand), C11orf65 (chromosome 11 open reading frame 65; minus strand). Cytogenetic location: 11q22.3.
Variant type: single nucleotide variant.
Coding change: c.6670A>C on transcript NM_000051.4 (MANE Select); coding-DNA position 6670, A replaced by C.
Protein change: p.Met2224Leu; replaces methionine 2224 with leucine.
Molecular consequence: missense variant. On other transcripts: intron variant (2).
Genome position (GRCh38, 1-based): chr11:108,325,407, A>C. VCF-style: chr11-108325407-A-C. GRCh37 (hg19) VCF-style: chr11-108196134-A-C.
Other names: c.6670A>C, p.Met2224Leu (NM_001351834.2); c.641-16336T>G (NM_001330368.2); c.*38+9813T>G (NM_001351110.2); short protein forms M2224L.
Identifiers: ClinVar variation 574340 (VCV000574340.10), dbSNP rs545873723, ClinGen allele CA382554863.
Genomic context (GRCh38, chr11:108,325,407, plus strand): 5'-AAGTGGCAGAAACACTCCCAGCTTCTCAAGGACAGTGATTTTAGTTTTCAGGAGCCTATC[A>C]TGGCTCTACGCACAGTCATTTTGGAGATCCTGATGGAAAAGGAAATGGACAACTCACAAA-3'
Protein context (NP_000042.3, residues 2214-2234): DSDFSFQEPI[Met2224Leu]ALRTVILEIL